The following is an entry in ClinVar:

ClinVar aggregate classification (germline): Pathogenic (1 of 4 stars; one submission).

Conditions:
Cerebral cavernous malformation (CCM). Also called: Cerebral cavernous malformations; Cerebral cavernous hemangioma (type); Cavernous Hemangioma of Brain; CAVERNOUS ANGIOMA, FAMILIAL; CAVERNOUS ANGIOMATOUS MALFORMATIONS; CEREBRAL CAPILLARY MALFORMATIONS. Identifiers: Orphanet 221061, MedGen C2919945, MONDO:0000820, OMIM 116860, HP:0033522.

Submission:

Labcorp Genetics (formerly Invitae), Labcorp
Classification: Pathogenic for Cerebral cavernous malformation. Last evaluated: 2023-12-30. Review status: criteria provided, single submitter. Criteria: Invitae Variant Classification Sherloc (09022015). Collection method: clinical testing. Allele origin: germline.
Comment: This sequence change creates a premature translational stop signal (p.Phe686Leufs*21) in the KRIT1 gene. While this is not anticipated to result in nonsense mediated decay, it is expected to disrupt the last 51 amino acid(s) of the KRIT1 protein. This variant is not present in population databases (gnomAD no frequency). This variant has not been reported in the literature in individuals affected with KRIT1-related conditions. Algorithms developed to predict the effect of sequence changes on RNA splicing suggest that this variant may disrupt the consensus splice site. This variant disrupts a region of the KRIT1 protein in which other variant(s) (p.Thr712Glnfs*8) have been determined to be pathogenic (Invitae). This suggests that this is a clinically significant region of the protein, and that variants that disrupt it are likely to be disease-causing. For these reasons, this variant has been classified as Pathogenic.

NM_194454.3(KRIT1):c.2058del (p.Phe686fs)

Gene: KRIT1 (KRIT1 ankyrin repeat containing; minus strand). Cytogenetic location: 7q21.2.
Variant type: Deletion.
Coding change: c.2058del on transcript NM_194454.3 (MANE Select); coding-DNA position 2058, one base deleted (T; older notation c.2058delT).
Protein change: p.Phe686fs; shifts the reading frame from phenylalanine 686.
Molecular consequence: frameshift variant.
Genome position (GRCh38, 1-based): chr7:92,201,391, A deleted on the plus strand (T on the coding strand, the reverse complement: KRIT1 is on the minus strand); the first of 4 consecutive A bases (chr7:92,201,391-92,201,394); deleting any one gives the same sequence. VCF-style (leftmost placement, unchanged base first): chr7-92201390-TA-T. GRCh37 (hg19) VCF-style: chr7-91830704-TA-T.
Other names: c.1914del, p.Phe638fs (NM_001013406.2, NM_001350669.1, NM_001350670.1); c.1344del, p.Phe448fs (NM_001350671.1); c.2058del, p.Phe686fs (NM_001350672.1, NM_001350673.1, NM_001350674.1 and 26 more transcripts); short protein forms F448fs, F638fs, F686fs.
Identifiers: ClinVar variation 2706650 (VCV002706650.3), dbSNP rs2535517960, ClinGen allele CA2683699148.